The following is an entry in ClinVar:

NM_032119.4(ADGRV1):c.2241G>T (p.Arg747Ser)

Gene: ADGRV1 (adhesion G protein-coupled receptor V1; plus strand). Cytogenetic location: 5q14.3.
Variant type: single nucleotide variant.
Coding change: c.2241G>T on transcript NM_032119.4 (MANE Select); coding-DNA position 2241, G replaced by T.
Protein change: p.Arg747Ser; replaces arginine 747 with serine.
Molecular consequence: missense variant. On other transcripts: non-coding transcript variant (1).
Genome position (GRCh38, 1-based): chr5:90,642,636, G>T. VCF-style: chr5-90642636-G-T. GRCh37 (hg19) VCF-style: chr5-89938453-G-T.
Other names: short protein forms R747S.
Identifiers: ClinVar variation 1378026 (VCV001378026.7), dbSNP rs1347700185, ClinGen allele CA360387058.

ClinVar aggregate classification (germline): Uncertain significance. Review status: criteria provided, multiple submitters, no conflicts (2 of 4 stars). 2 submissions from 2 submitters: Uncertain significance (2). Last evaluated 2021-11-30.

Allele frequency attached by ClinVar (database versions not stated): gnomAD exomes below 0.00001.
gnomAD v4.1: 1 of 1,612,562 alleles (0.000062%); highest among the groups gnomAD compares: Non-Finnish European, 0.000085%; no homozygotes.

Submissions (2):

Labcorp Genetics (formerly Invitae), Labcorp
Classification: Uncertain significance. Last evaluated: 2021-11-30. Review status: criteria provided, single submitter. Criteria: Invitae Variant Classification Sherloc (09022015). Collection method: clinical testing. Allele origin: germline.
Comment: Algorithms developed to predict the effect of missense changes on protein structure and function are either unavailable or do not agree on the potential impact of this missense change (SIFT: "Deleterious"; PolyPhen-2: "Possibly Damaging"; Align-GVGD: "Class C0"). Algorithms developed to predict the effect of sequence changes on RNA splicing suggest that this variant may disrupt the consensus splice site. In summary, the available evidence is currently insufficient to determine the role of this variant in disease. Therefore, it has been classified as a Variant of Uncertain Significance. This sequence change replaces arginine, which is basic and polar, with serine, which is neutral and polar, at codon 747 of the ADGRV1 protein (p.Arg747Ser). This variant is not present in population databases (gnomAD no frequency). This variant has not been reported in the literature in individuals affected with ADGRV1-related conditions.

Blueprint Genetics
Classification: Uncertain significance. Last evaluated: 2018-10-22. Review status: criteria provided, single submitter. Criteria: ACMG Guidelines, 2015. Collection method: clinical testing. Allele origin: germline.